The following is an entry in ClinVar:

ClinVar aggregate classification (germline): Uncertain significance (1 of 4 stars; one submission).

Submission:

Labcorp Genetics (formerly Invitae), Labcorp
Classification: Uncertain significance. Last evaluated: 2022-10-09. Review status: criteria provided, single submitter. Criteria: Invitae Variant Classification Sherloc (09022015). Collection method: clinical testing. Allele origin: germline.
Comment: Advanced modeling of protein sequence and biophysical properties (such as structural, functional, and spatial information, amino acid conservation, physicochemical variation, residue mobility, and thermodynamic stability) has been performed at Invitae for this missense variant, however the output from this modeling did not meet the statistical confidence thresholds required to predict the impact of this variant on PACS2 protein function. In summary, the available evidence is currently insufficient to determine the role of this variant in disease. Therefore, it has been classified as a Variant of Uncertain Significance. This variant has not been reported in the literature in individuals affected with PACS2-related conditions. This variant is not present in population databases (gnomAD no frequency). This sequence change replaces alanine, which is neutral and non-polar, with glycine, which is neutral and non-polar, at codon 648 of the PACS2 protein (p.Ala648Gly).

NM_001100913.3(PACS2):c.1943C>G (p.Ala648Gly)

Gene: PACS2 (phosphofurin acidic cluster sorting protein 2; plus strand). Cytogenetic location: 14q32.33.
Variant type: single nucleotide variant.
Coding change: c.1943C>G on transcript NM_001100913.3 (MANE Select); coding-DNA position 1943, C replaced by G.
Protein change: p.Ala648Gly; replaces alanine 648 with glycine.
Molecular consequence: missense variant.
Genome position (GRCh38, 1-based): chr14:105,384,930, C>G. VCF-style: chr14-105384930-C-G. GRCh37 (hg19) VCF-style: chr14-105851267-C-G.
Other names: c.1706C>G, p.Ala569Gly (NM_001243127.3); c.1931C>G, p.Ala644Gly (NM_015197.4); short protein forms A569G, A644G, A648G.
Identifiers: ClinVar variation 1721360 (VCV001721360.5), dbSNP rs1555413202, ClinGen allele CA391184322.